The following is an entry in ClinVar:

ClinVar aggregate classification (germline): Uncertain significance. Review status: criteria provided, multiple submitters, no conflicts (2 of 4 stars). 2 submissions from 2 submitters: Uncertain significance (2). Last evaluated 2024-10-31.

Conditions:
FAM149B1-related disorder. Also called: FAM149B1-related condition.
Joubert syndrome 36 (JBTS36). Identifiers: MedGen C5231493, MONDO:0032902, OMIM 618763.

Allele frequency attached by ClinVar (database versions not stated): gnomAD exomes 0.00001; TOPMed 0.00003.

Submissions (2):

PreventionGenetics, part of Exact Sciences
Classification: Uncertain significance for FAM149B1-related condition. Last evaluated: 2024-10-31. Review status: criteria provided, single submitter. Criteria: ACMG Guidelines, 2015. Collection method: clinical testing. Allele origin: germline.
Comment: The FAM149B1 c.1563_1567del5 variant is predicted to result in a frameshift and premature protein termination (p.Asp522Phefs*23). To our knowledge, this variant has not been reported in the literature. This variant is reported in 0.0040% of alleles in individuals of Latino descent in gnomAD. Loss of function has not been established as a mechanism for FAM149B1-related disease. At this time, the clinical significance of this variant is uncertain due to the absence of conclusive functional and genetic evidence.

Revvity Omics, Revvity
Classification: Uncertain significance for Joubert syndrome 36. Last evaluated: 2023-06-14. Review status: criteria provided, single submitter. Criteria: ACMG Guidelines, 2015. Collection method: clinical testing. Allele origin: germline.

NM_173348.2(FAM149B1):c.1563_1567del (p.Asp522fs)

Genes: DNAJC9 (DnaJ heat shock protein family (Hsp40) member C9; minus strand), FAM149B1 (family with sequence similarity 149 member B1; plus strand). Cytogenetic location: 10q22.2.
Variant type: Deletion.
Coding change: c.1563_1567del on transcript NM_173348.2 (MANE Select); coding-DNA positions 1563 to 1567, 5 bases deleted (CGACT; older notation c.1563_1567delCGACT).
Protein change: p.Asp522fs; shifts the reading frame from aspartic acid 522.
Molecular consequence: frameshift variant.
Genome position (GRCh38, 1-based): chr10:73,235,279-73,235,283, CGACT deleted. VCF-style (leftmost placement, unchanged base first): chr10-73235278-CCGACT-C. GRCh37 (hg19) VCF-style: chr10-74995036-CCGACT-C.
Other names: c.1563_1567del5 (NM_173348.1); short protein forms D522fs.
Identifiers: ClinVar variation 2689041 (VCV002689041.3), dbSNP rs1245678935, ClinGen allele CA594358419.